The following is an entry in ClinVar:

NM_024818.6(UBA5):c.551A>G (p.Asn184Ser)

Genes: NPHP3-ACAD11 (NPHP3-ACAD11 readthrough (NMD candidate); minus strand), UBA5 (ubiquitin like modifier activating enzyme 5; plus strand). Cytogenetic location: 3q22.1.
Variant type: single nucleotide variant.
Coding change: c.551A>G on transcript NM_024818.6 (MANE Select); coding-DNA position 551, A replaced by G.
Protein change: p.Asn184Ser; replaces asparagine 184 with serine.
Molecular consequence: missense variant.
Genome position (GRCh38, 1-based): chr3:132,671,021, A>G. VCF-style: chr3-132671021-A-G. GRCh37 (hg19) VCF-style: chr3-132389865-A-G.
Other names: c.383A>G, p.Asn128Ser (NM_001320210.2, NM_198329.4); c.281A>G, p.Asn94Ser (NM_001321238.2); c.215A>G, p.Asn72Ser (NM_001321239.1); short protein forms N94S, N128S, N184S, N72S.
Identifiers: ClinVar variation 1907683 (VCV001907683.3), dbSNP rs750452534, ClinGen allele CA2621383.

ClinVar aggregate classification (germline): Uncertain significance. Review status: criteria provided, multiple submitters, no conflicts (2 of 4 stars). 2 submissions from 2 submitters: Uncertain significance (2). Last evaluated 2023-04-12.

Allele frequency attached by ClinVar (database versions not stated): gnomAD exomes 0.00001; TOPMed 0.00001; gnomAD 0.00002; ExAC 0.00003.
gnomAD v4.1: 13 of 1,613,214 alleles (0.00081%); highest among the groups gnomAD compares: East Asian, 0.02%; no homozygotes.

Submissions (2):

GeneDx
Classification: Uncertain significance. Last evaluated: 2023-04-12. Review status: criteria provided, single submitter. Criteria: GeneDx Variant Classification Process June 2021. Collection method: clinical testing. Allele origin: germline. Affected: yes.
Comment: In silico analysis supports that this missense variant has a deleterious effect on protein structure/function; Has not been previously published as pathogenic or benign to our knowledge

Labcorp Genetics (formerly Invitae), Labcorp
Classification: Uncertain significance. Last evaluated: 2022-05-29. Review status: criteria provided, single submitter. Criteria: Invitae Variant Classification Sherloc (09022015). Collection method: clinical testing. Allele origin: germline.
Comment: This sequence change replaces asparagine, which is neutral and polar, with serine, which is neutral and polar, at codon 184 of the UBA5 protein (p.Asn184Ser). This variant is present in population databases (rs750452534, gnomAD 0.03%). This variant has not been reported in the literature in individuals affected with UBA5-related conditions. Algorithms developed to predict the effect of missense changes on protein structure and function are either unavailable or do not agree on the potential impact of this missense change (SIFT: "Not Available"; PolyPhen-2: "Possibly Damaging"; Align-GVGD: "Not Available"). In summary, the available evidence is currently insufficient to determine the role of this variant in disease. Therefore, it has been classified as a Variant of Uncertain Significance.